The following is an entry in ClinVar:

ClinVar aggregate classification (germline): Pathogenic. Review status: criteria provided, multiple submitters, no conflicts (2 of 4 stars). 7 submissions from 7 submitters: Pathogenic (5). 2 of the submissions do not count toward it. Last evaluated 2025-03-06.

Conditions:
Intellectual developmental disorder, autosomal dominant 29. Also called: SETBP1 Haploinsufficiency Disorder; Intellectual disability, autosomal dominant 29. Identifiers: Orphanet 436151, MedGen C4015141, MONDO:0014482, OMIM 616078.
Intellectual disability. Also called: Intellectual developmental disorder; Intellectual functioning disability; intellectual disabilities. Identifiers: MedGen C3714756, MeSH D008607, MONDO:0001071, HP:0001249.
Schinzel-Giedion syndrome (SGS). Identifiers: Orphanet 798, MedGen C0265227, MONDO:0010010, OMIM 269150.
Inborn genetic diseases. Identifiers: MedGen C0950123, MeSH D030342.

Submissions (7):

Clinical Genetics Laboratory, Skane University Hospital Lund
Classification: Pathogenic for Intellectual disability. Last evaluated: 2025-03-06. Review status: criteria provided, single submitter. Criteria: ACMG Guidelines, 2015. Collection method: clinical testing. Allele origin: de novo. Inheritance: Autosomal dominant inheritance. Affected: yes.
Comment: PVS1, PS2, PM2

GeneDx
Classification: Pathogenic. Last evaluated: 2024-11-10. Review status: criteria provided, single submitter. Criteria: GeneDx Variant Classification Process June 2021. Collection method: clinical testing. Allele origin: germline. Affected: yes.
Comment: Nonsense variant predicted to result in protein truncation or nonsense mediated decay in a gene for which loss of function is a known mechanism of disease; Not observed at significant frequency in large population cohorts (gnomAD); This variant is associated with the following publications: (PMID: 28487787, 33391157, 33907317, 33057194, 37010288, 35982159)

Ambry Genetics
Classification: Pathogenic for Inborn genetic diseases. Last evaluated: 2023-10-10. Review status: criteria provided, single submitter. Criteria: Ambry Variant Classification Scheme 2023. Collection method: clinical testing. Allele origin: germline.
Comment: The c.1765C>T (p.R589*) alteration, located in exon 4 (coding exon 3) of the SETBP1 gene, consists of a C to T substitution at nucleotide position 1765. This changes the amino acid from an arginine (R) to a stop codon at amino acid position 589. This alteration is expected to result in loss of function by premature protein truncation or nonsense-mediated mRNA decay._x000D_ _x000D_ for SETBP1-related neurodevelopmental disorder; however, its clinical significance for Schinzel-Giedion syndrome is uncertain. This variant was not reported in population-based cohorts in the Genome Aggregation Database (gnomAD). This variant has been reported in multiple individuals with features consistent with SETBP1-related neurodevelopmental disorder including one de novo occurrence (Leonardi, 2020; Morgan, 2021). Based on the available evidence, this alteration is classified as pathogenic.

Labcorp Genetics (formerly Invitae), Labcorp
Classification: Pathogenic. Last evaluated: 2022-09-27. Review status: criteria provided, single submitter. Criteria: Invitae Variant Classification Sherloc (09022015). Collection method: clinical testing. Allele origin: germline.
Comment: For these reasons, this variant has been classified as Pathogenic. ClinVar contains an entry for this variant (Variation ID: 620410). This premature translational stop signal has been observed in individual(s) with intellectual disability (PMID: 33391157). This variant is not present in population databases (gnomAD no frequency). This sequence change creates a premature translational stop signal (p.Arg589*) in the SETBP1 gene. It is expected to result in an absent or disrupted protein product. Loss-of-function variants in SETBP1 are known to be pathogenic (PMID: 21037274, 25217958).

Institute of Medical Genetics and Applied Genomics, University Hospital Tübingen
Classification: Pathogenic. Last evaluated: 2021-09-15. Review status: criteria provided, single submitter. Criteria: ACMG Guidelines, 2015. Collection method: clinical testing. Allele origin: germline. Inheritance: Autosomal dominant inheritance. Affected: yes.

Diagnostic Laboratory, Department of Genetics, University Medical Center Groningen
Classification: Pathogenic. Review status: no assertion criteria provided. Collection method: clinical testing. Allele origin: germline. Affected: yes. Study: VKGL Data-share Consensus. Not counted in ClinVar's aggregate classification.

Genome Diagnostics Laboratory, Amsterdam University Medical Center
Classification: Pathogenic. Review status: no assertion criteria provided. Collection method: clinical testing. Allele origin: germline. Affected: yes. Study: VKGL Data-share Consensus. Not counted in ClinVar's aggregate classification.

Literature cited by the submitters: PubMed 33391157 (cited by Ambry Genetics and Labcorp Genetics (formerly Invitae), Labcorp); PubMed 33907317 (cited by Ambry Genetics); PubMed 21037274 (cited by Labcorp Genetics (formerly Invitae), Labcorp); PubMed 25217958 (cited by Labcorp Genetics (formerly Invitae), Labcorp).

NM_015559.3(SETBP1):c.1765C>T (p.Arg589Ter)

Gene: SETBP1 (SET binding protein 1; plus strand). Cytogenetic location: 18q12.3.
Variant type: single nucleotide variant.
Coding change: c.1765C>T on transcript NM_015559.3 (MANE Select); coding-DNA position 1765, C replaced by T.
Protein change: p.Arg589Ter; replaces arginine 589 with a stop codon.
Molecular consequence: nonsense.
Genome position (GRCh38, 1-based): chr18:44,951,105, C>T. VCF-style: chr18-44951105-C-T. GRCh37 (hg19) VCF-style: chr18-42531070-C-T.
Other names: c.1765C>T, p.Arg589Ter (LRG_1150t1); short protein forms R589*.
Identifiers: ClinVar variation 620410 (VCV000620410.19), dbSNP rs1568235086, ClinGen allele CA402319391.